The following continues an entry in ClinVar:

NM_000410.4(HFE):c.187C>G (p.His63Asp)

ClinVar aggregate classification (germline): Conflicting classifications of pathogenicity; other. Pathogenic (41); Likely pathogenic (2); Pathogenic, low penetrance (1); Uncertain significance (2).

Submissions 31 to 45 of 60:

Women's Health and Genetics/Laboratory Corporation of America, LabCorp
Classification: Pathogenic for Hemochromatosis type 1. Last evaluated: 2021-02-26. Review status: criteria provided, single submitter. Criteria: LabCorp Variant Classification Summary - May 2015. Collection method: clinical testing. Allele origin: germline.
Comment: Variant summary: HFE c.187C>G (p.His63Asp) results in a non-conservative amino acid change located in the MHC class I-like antigen recognition-like domain (IPR011161) of the encoded protein sequence. Three of five in-silico tools predict a benign effect of the variant on protein function. The variant allele was found at a frequency of 0.11 in 251484 control chromosomes in the gnomAD database, including 1832 homozygotes. c.187C>G has been reported as a common disease variant in the literature in individuals affected with Hemochromatosis Type 1, in both homozygous and compound heterozygous states, but most frequently in trans with the most common disease variant c.845G>A (p.Cys282Tyr) (e.g. Feder_1996, Kelley_2014). These data indicate that the variant is likely to be associated with disease, however the variant appears to have very low penetrance, as the majority of homozygous or compound heterozygous individuals with this variant do not exhibit clinical symptoms of hemochromatosis despite some cases having elevated serum ferritin and transferrin saturation levels (e.g. Beutler_2002, Pedersen_2009). Several publications report experimental evidence evaluating an impact on protein function. While p.His63Asp was shown to have normal levels of association with beta2-globulin and expression of HFE on the cell surface in contrast to impairment observed in cells with the other common pathogenic variant p.Cys282Tyr (e.g. Waheed_1997), p.His63Asp was shown to induce ER-stress in-vitro and in a transgenic mouse model (e.g. Liu_2011). Transgenic mice expressing the murine equivalent of this variant were also reported to have increased iron storage and decreased levels of iron mobilization at 12 months of age (e.g. Nandar_2013). The variant has also been reported to alter the expression levels of several genes involved in sphingolipid metabolism (e.g. Ali-Rahmani_2011) and to affect cellular glutamate levels (e.g. Mitchell_2011). Sixteen clinical diagnostic laboratories have submitted clinical-significance assessments for this variant to ClinVar after 2014 without evidence for independent evaluation. Thirteen of these submitters report the variant as either Pathogenic or a risk factor for disease. Based on the evidence outlined above, the variant was classified as pathogenic with very low penetrance in association with Hemochromatosis.

GeneDx
Classification: Pathogenic. Last evaluated: 2020-10-08. Review status: criteria provided, single submitter. Criteria: GeneDx Variant Classification Process June 2021. Collection method: clinical testing. Allele origin: germline. Affected: yes.
Comment: Published functional studies demonstrate a damaging effect (Nandar et al., 2013; Mitchell et al., 2011); This variant is associated with the following publications: (PMID: 19401444, 20031541, 8696333, 11399207, 31028937, 19159930, 19271219, 24920245, 23389292, 24729993, 20478760, 20640879, 17042772, 25262004, 21925577, 23178241, 19291797, 18525129, 21349849, 19820015, 20097100, 18846434, 23222517, 21514009, 19560233, 24439478, 21243428, 22232660, 20560808, 17450498, 19115475, 11874997, 19554541, 25117103, 26501199, 21909115, 27661980, 26365338, 27153395, 11903355, 17339196, 25687342, 26497867, 28110185, 19214108, 30291871, 11358905, 9356458, 9341868, 20301613, 25767899, 19176287, 18566337, 16132052, 15858186, 15347835, 14729817, 12429850, 11532995, 11479183, 11423500, 31016714, 31180159, 31640930, 23792061, 32014855, 29301508, 31980526, 34426522, 11189980, 11336458, 11478530, 11531973, 9382962, 32641076, 10792295, 10090890, 32874917, 32746448, 23429074)

CENTOGENE GmbH and LLC - Guiding Precision Medicine
Classification: Pathogenic for Hemochromatosis type 1. Last evaluated: 2020-08-26. Review status: criteria provided, single submitter. Criteria: ACMG Guidelines, 2015. Collection method: clinical testing. Allele origin: germline. Affected: yes.

Genomic Medicine Lab, University of California San Francisco
Classification: Pathogenic for Hemochromatosis type 1. Last evaluated: 2020-07-21. Review status: criteria provided, single submitter. Criteria: ACMG Guidelines, 2015. Collection method: clinical testing. Allele origin: germline. Study: CSER.

Cambridge Genomics Laboratory, East Genomic Laboratory Hub, NHS Genomic Medicine Service
Classification: Uncertain significance for Neuroendocrine neoplasm. Last evaluated: 2020-03-18. Review status: criteria provided, single submitter. Criteria: ACGS Best Practice Guidelines for Variant Classification in Rare Disease 2020. Collection method: clinical testing. Allele origin: germline. Affected: yes. Observed: 1 variant allele.

Genetics and Molecular Pathology, SA Pathology
Classification: Pathogenic for Variegate porphyria. Last evaluated: 2020-01-13. Review status: criteria provided, single submitter. Criteria: ACMG Guidelines, 2015. Collection method: clinical testing. Allele origin: germline. Inheritance: Autosomal recessive inheritance. Affected: yes.
Comment: Contributing pathogenic variant when co-inherited with other pathogenic variants in HFE or PPOX genes, but not pathogenic alone, even in the homozygous state.

Myriad Genetics, Inc.
Classification: Pathogenic for Hemochromatosis type 1. Last evaluated: 2019-12-26. Review status: criteria provided, single submitter. Criteria: Myriad Women's Health Autosomal Recessive and X-Linked Classification Criteria (2019). Collection method: clinical testing. Allele origin: unknown.
Comment: NM_000410.3(HFE):c.187C>G(H63D) is classified as pathogenic in the context of HFE-associated hereditary hemochromatosis. H63D is only associated with clinical hemochromatosis in the presence of some other genetic variant or condition that affects iron metabolism such as the C282Y variant or liver disease. Sources cited for classification include the following: PMID 9462220, 11904676, 11358905, 19159930, 19554541 and 14673107. Classification of NM_000410.3(HFE):c.187C>G(H63D) is based on the following criteria: This is a well-established pathogenic variant in the literature that has been observed more frequently in patients with clinical diagnoses than in healthy populations. Please note: this variant was assessed in the context of healthy population screening.

Mendelics
Classification: Pathogenic for Hemochromatosis type 1. Last evaluated: 2019-05-28. Review status: criteria provided, single submitter. Criteria: Mendelics Assertion Criteria 2017. Collection method: clinical testing. Allele origin: unknown.

Fulgent Genetics
Classification: Pathogenic for Alzheimer disease type 1; Familial porphyria cutanea tarda; Variegate porphyria; Hemochromatosis type 1; Microvascular complications of diabetes, susceptibility to, 7; TRANSFERRIN SERUM LEVEL QUANTITATIVE TRAIT LOCUS 2. Last evaluated: 2018-10-31. Review status: criteria provided, single submitter. Criteria: ACMG Guidelines, 2015. Collection method: clinical testing. Allele origin: unknown.

Centre for Mendelian Genomics, University Medical Centre Ljubljana
Classification: Pathogenic for Hemochromatosis type 1. Last evaluated: 2018-09-25. Review status: criteria provided, single submitter. Criteria: ACMG Guidelines, 2015. Collection method: clinical testing. Allele origin: unknown. Affected: yes.
Comment: This variant was classified as: Pathogenic. The following ACMG criteria were applied in classifying this variant: PS1,PS3,PS4,PP4.

Eurofins Ntd Llc (ga)
Classification: other. Last evaluated: 2018-06-26. Review status: criteria provided, single submitter. Criteria: EGL ClinVar v180209 classification definitions. Collection method: clinical testing. Allele origin: germline. Observed: 348 variant alleles, 333 heterozygotes, 15 homozygotes.

Knight Diagnostic Laboratories, Oregon Health and Sciences University
Classification: Pathogenic for Hemochromatosis type 1. Last evaluated: 2016-01-27. Review status: criteria provided, single submitter. Criteria: ACMG Guidelines, 2015. Collection method: clinical testing. Allele origin: germline. Affected: no. Study: CSER-NextGen.
Comment: The c.187C>G (p.His63Asp) missense variant is widely recognized as one of the two most common disease-causing variants in the HFE gene. Compound heterozygotes for p.Cys282Tyr and p.His63Asp are common in the Caucasian population, and together with homozygotes for the p.Cys282Tyr, account for 87% of individuals of European origin with HFE-HH. However, it is important to note that only ~ 0.5%-2.0% of compound heterozygous individuals develop clinical evidence of the disease due to incomplete penetrance (GeneReviews: Seckington et al., 2015; Ramrakhiani and Bacon, 1998; Morrison et al., 2003). In summary, this variant c.187C>G, (p.His63Asp) meets our criteria for Pathogenic.

Genetic Services Laboratory, University of Chicago
Classification: Pathogenic for Hemochromatosis type 1. Last evaluated: 2015-09-14. Review status: criteria provided, single submitter. Criteria: ACMG Guidelines, 2015. Collection method: clinical testing. Allele origin: germline. Affected: yes.

Juno Genomics, Hangzhou Juno Genomics, Inc
Classification: Pathogenic for Hemochromatosis type 1. Review status: criteria provided, single submitter. Criteria: ACMG Guidelines, 2015. Collection method: clinical testing. Allele origin: germline.
Comment: Well-established in vitro or in vivo functional studies supportive of a damaging effect on the gene or gene product.;For recessive disorders, detected in trans with a pathogenic variant.

Kariminejad - Najmabadi Pathology & Genetics Center
Classification: Pathogenic for Hemochromatosis type 1. Review status: criteria provided, single submitter. Criteria: ACMG Guidelines, 2015. Collection method: clinical testing. Allele origin: germline. Affected: no.